The following is an entry in ClinVar:

ClinVar aggregate classification (germline): Benign/Likely benign. Review status: criteria provided, multiple submitters, no conflicts (2 of 4 stars). 6 submissions from 6 submitters: Benign (1); Likely benign (5). Last evaluated 2025-12-23.

Conditions:
Hereditary cancer-predisposing syndrome. Also called: Neoplastic Syndromes, Hereditary; Hereditary Cancer Syndrome; Tumor predisposition; Hereditary neoplastic syndrome. Identifiers: Orphanet 140162, MedGen C0027672, MeSH D009386, MONDO:0015356.
Familial adenomatous polyposis 1 (FAP1). Also called: FAMILIAL ADENOMATOUS POLYPOSIS 1, ATTENUATED; POLYPOSIS, ADENOMATOUS INTESTINAL. Identifiers: MedGen C2713442, MONDO:0021056, OMIM 175100. Disease mechanism: loss of function.
Classic or attenuated familial adenomatous polyposis. Identifiers: MedGen CN372698, MONDO:0021057.

Allele frequency attached by ClinVar (database versions not stated): gnomAD exomes 0.00001 and 0.00002; ExAC 0.00002.
gnomAD v4.1: 15 of 1,614,140 alleles (0.00093%); highest among the groups gnomAD compares: South Asian, 0.015%; 3 homozygotes.

Submissions (6):

Labcorp Genetics (formerly Invitae), Labcorp
Classification: Likely benign for Familial adenomatous polyposis 1. Last evaluated: 2025-12-23. Review status: criteria provided, single submitter. Criteria: Invitae Variant Classification Sherloc (09022015). Collection method: clinical testing. Allele origin: germline.

CeGaT Center for Human Genetics Tuebingen
Classification: Likely benign. Last evaluated: 2025-08-01. Review status: criteria provided, single submitter. Criteria: CeGaT Center For Human Genetics Tuebingen Variant Classification Criteria Version 2. Collection method: clinical testing. Allele origin: germline. Affected: yes. Observed: 1 variant allele.
Comment: APC: BP4, BP7

Myriad Genetics, Inc.
Classification: Benign for Familial adenomatous polyposis 1. Last evaluated: 2024-03-26. Review status: criteria provided, single submitter. Criteria: Myriad Autosomal Dominant, Autosomal Recessive and X-Linked Classification Criteria (2023). Collection method: clinical testing. Allele origin: unknown.
Comment: This variant is considered benign. This variant is a silent/synonymous amino acid change and it is not expected to impact splicing.

All of Us Research Program, National Institutes of Health
Classification: Likely benign for Classic or attenuated familial adenomatous polyposis. Last evaluated: 2023-03-04. Review status: criteria provided, single submitter. Criteria: ACMG Guidelines, 2015. Collection method: clinical testing. Allele origin: germline. Inheritance: Autosomal dominant inheritance. Observed: 1 variant allele, 1 heterozygote.
Comment: This study involves interpretation of variants in research participants for the purpose of population health screening. Participant phenotype was not available at the time of variant classification. Additional details can be found in publication PMID: 35346344, PMCID: PMC8962531

Ambry Genetics
Classification: Likely benign for Hereditary cancer-predisposing syndrome. Last evaluated: 2022-10-29. Review status: criteria provided, single submitter. Criteria: Ambry Variant Classification Scheme 2023. Collection method: clinical testing. Allele origin: germline.

Color Diagnostics, LLC DBA Color Health
Classification: Likely benign for Hereditary cancer-predisposing syndrome. Last evaluated: 2018-10-19. Review status: criteria provided, single submitter. Criteria: ACMG Guidelines, 2015. Collection method: clinical testing. Allele origin: germline.

NM_000038.6(APC):c.4242A>G (p.Val1414=)

Gene: APC (APC regulator of Wnt signaling pathway; plus strand). Cytogenetic location: 5q22.2.
Variant type: single nucleotide variant.
Coding change: c.4242A>G on transcript NM_000038.6 (MANE Select); coding-DNA position 4242, A replaced by G.
Protein change: p.Val1414=; no amino-acid change (valine 1414 retained).
Molecular consequence: synonymous variant.
Genome position (GRCh38, 1-based): chr5:112,839,836, A>G. VCF-style: chr5-112839836-A-G. GRCh37 (hg19) VCF-style: chr5-112175533-A-G.
Other names: c.4242A>G, p.Val1414= (NM_001127510.3, NM_001354895.2); c.4188A>G, p.Val1396= (NM_001127511.3); c.4296A>G, p.Val1432= (NM_001354896.2); c.4272A>G, p.Val1424= (NM_001354897.2); c.4167A>G, p.Val1389= (NM_001354898.2); c.4158A>G, p.Val1386= (NM_001354899.2); c.4119A>G, p.Val1373= (NM_001354900.2); c.4065A>G, p.Val1355= (NM_001354901.2); and 5 more.
Identifiers: ClinVar variation 630192 (VCV000630192.18), dbSNP rs779172940, ClinGen allele CA038452.